The following is an entry in ClinVar:

ClinVar aggregate classification (germline): Uncertain significance (1 of 4 stars; one submission).

Conditions:
Anauxetic dysplasia. Identifiers: Orphanet 93347, MedGen C1846796, MONDO:0011773.

Submission:

Labcorp Genetics (formerly Invitae), Labcorp
Classification: Uncertain significance for Anauxetic dysplasia. Last evaluated: 2024-09-05. Review status: criteria provided, single submitter. Criteria: Invitae Variant Classification Sherloc (09022015). Collection method: clinical testing. Allele origin: germline.
Comment: This variant occurs in the RMRP gene, which encodes an RNA molecule that does not result in a protein product. This variant is not present in population databases (gnomAD no frequency). This variant has not been reported in the literature in individuals affected with RMRP-related conditions. Experimental studies and prediction algorithms are not available or were not evaluated, and the functional significance of this variant is currently unknown. In summary, the available evidence is currently insufficient to determine the role of this variant in disease. Therefore, it has been classified as a Variant of Uncertain Significance.

NC_000009.12:g.35658046T>C

Gene: RMRP (RNA component of mitochondrial RNA processing endoribonuclease; minus strand). Cytogenetic location: 9p13.3.
Variant type: single nucleotide variant.
Genome position: GRCh38 VCF-style: chr9-35658046-T-C. GRCh37 (hg19) VCF-style: chr9-35658043-T-C.
Identifiers: ClinVar variation 1525825 (VCV001525825.8), dbSNP rs2131810512, ClinGen allele CA2573144664.